The following is an entry in ClinVar:

NM_000038.6(APC):c.3345G>A (p.Val1115=)

Gene: APC (APC regulator of Wnt signaling pathway; plus strand). Cytogenetic location: 5q22.2.
Variant type: single nucleotide variant.
Coding change: c.3345G>A on transcript NM_000038.6 (MANE Select); coding-DNA position 3345, G replaced by A.
Protein change: p.Val1115=; no amino-acid change (valine 1115 retained).
Molecular consequence: synonymous variant. On other transcripts: non-coding transcript variant (2).
Genome position (GRCh38, 1-based): chr5:112,838,939, G>A. VCF-style: chr5-112838939-G-A. GRCh37 (hg19) VCF-style: chr5-112174636-G-A.
Other names: c.3345G>A, p.Val1115= (NM_001127510.3, NM_001354895.2, NM_001407450.1); c.3291G>A, p.Val1097= (NM_001127511.3); c.3399G>A, p.Val1133= (NM_001354896.2, NM_001407447.1, NM_001407448.1 and 1 more transcripts); c.3375G>A, p.Val1125= (NM_001354897.2); c.3270G>A, p.Val1090= (NM_001354898.2); c.3261G>A, p.Val1087= (NM_001354899.2); c.3222G>A, p.Val1074= (NM_001354900.2); c.3168G>A, p.Val1056= (NM_001354901.2, NM_001407453.1); and 11 more.
Identifiers: ClinVar variation 1730457 (VCV001730457.2), dbSNP rs1561584130, ClinGen allele CA445963645.

ClinVar aggregate classification (germline): Benign/Likely benign. Review status: criteria provided, multiple submitters, no conflicts (2 of 4 stars). 2 submissions from 2 submitters: Benign (1); Likely benign (1). Last evaluated 2024-03-18.

Conditions:
Hereditary cancer-predisposing syndrome. Also called: Neoplastic Syndromes, Hereditary; Tumor predisposition; Hereditary Cancer Syndrome; Hereditary neoplastic syndrome. Identifiers: Orphanet 140162, MedGen C0027672, MeSH D009386, MONDO:0015356.
Familial adenomatous polyposis 1 (FAP1). Also called: FAMILIAL ADENOMATOUS POLYPOSIS 1, ATTENUATED; POLYPOSIS, ADENOMATOUS INTESTINAL. Identifiers: MedGen C2713442, MONDO:0021056, OMIM 175100. Disease mechanism: loss of function.

Submissions (2):

Myriad Genetics, Inc.
Classification: Benign for Familial adenomatous polyposis 1. Last evaluated: 2024-03-18. Review status: criteria provided, single submitter. Criteria: Myriad Autosomal Dominant, Autosomal Recessive and X-Linked Classification Criteria (2023). Collection method: clinical testing. Allele origin: unknown.
Comment: This variant is considered benign. This variant is a silent/synonymous amino acid change and it is not expected to impact splicing.

Ambry Genetics
Classification: Likely benign for Hereditary cancer-predisposing syndrome. Last evaluated: 2020-06-22. Review status: criteria provided, single submitter. Criteria: Ambry Variant Classification Scheme 2023. Collection method: clinical testing. Allele origin: germline.